The following is an entry in ClinVar:

ClinVar aggregate classification (germline): Uncertain significance (1 of 4 stars; one submission).

Conditions:
Ectodermal dysplasia 4, hair/nail type (ECTD4). Identifiers: Orphanet 69084, MedGen C4024880, MONDO:0011177, OMIM 602032.

gnomAD v4.1: 263 of 1,613,736 alleles (0.016%); highest among the groups gnomAD compares: South Asian, 0.17%; no homozygotes.

Submission:

Clinical Genomics Laboratory, Washington University in St. Louis
Classification: Uncertain significance for Ectodermal dysplasia 4, hair/nail type. Last evaluated: 2025-04-27. Review status: criteria provided, single submitter. Criteria: ACMG Guidelines, 2015. Collection method: clinical testing. Allele origin: germline.
Comment: The KRT85 c.538C>T (p.Arg180Trp) variant, to our knowledge, has not been reported in the medical literature nor in the ClinVar database. This variant is only observed in 73/282,618 alleles in the general population (gnomAD v2.1), indicating it is not a common variant. Computational predictors indicate that the variant is damaging, evidence that correlates with impact to KRT85 function. Due to limited information, and based on ACMG/AMP guidelines for variant interpretation (Richards S et al., PMID: 25741868), the clinical significance of this variant is uncertain at this time.

NM_002283.4(KRT85):c.538C>T (p.Arg180Trp)

Gene: KRT85 (keratin 85; minus strand). Cytogenetic location: 12q13.13.
Variant type: single nucleotide variant.
Coding change: c.538C>T on transcript NM_002283.4 (MANE Select); coding-DNA position 538, C replaced by T.
Protein change: p.Arg180Trp; replaces arginine 180 with tryptophan.
Molecular consequence: missense variant.
Genome position (GRCh38, 1-based): chr12:52,365,053, G>A on the plus strand (C>T on the coding strand, the complement: KRT85 is on the minus strand). VCF-style: chr12-52365053-G-A. GRCh37 (hg19) VCF-style: chr12-52758837-G-A.
Other names: short protein forms R180W.
Identifiers: ClinVar variation 4279721 (VCV004279721.1).